The following is an entry in ClinVar:

NM_001042492.3(NF1):c.8220C>T (p.Asp2740=)

Gene: NF1 (neurofibromin 1; plus strand). Cytogenetic location: 17q11.2.
Variant type: single nucleotide variant.
Coding change: c.8220C>T on transcript NM_001042492.3 (MANE Select); coding-DNA position 8220, C replaced by T.
Protein change: p.Asp2740=; no amino-acid change (aspartic acid 2740 retained).
Molecular consequence: synonymous variant.
Genome position (GRCh38, 1-based): chr17:31,360,546, C>T. VCF-style: chr17-31360546-C-T. GRCh37 (hg19) VCF-style: chr17-29687564-C-T.
Other names: c.8157C>T, p.Asp2719= (NM_000267.4).
Identifiers: ClinVar variation 3339827 (VCV003339827.1).
Genomic context (GRCh38, chr17:31,360,546, plus strand): 5'-GCAAACACAAATTCCAGACTATGCTGAGCTTATTGTTAAGTTTCTTGATGCCTTGATTGA[C>T]ACGTACCTGCCTGGAATTGATGAAGAAACCAGTGAAGAATCCCTCCTGACTCCCACATCT-3'
Protein context (NP_001035957.1, residues 2730-2750): LIVKFLDALI[Asp2740=]TYLPGIDEET

ClinVar aggregate classification (germline): Likely benign (1 of 4 stars; one submission).

Submission:

Women's Health and Genetics/Laboratory Corporation of America, LabCorp
Classification: Likely benign. Last evaluated: 2024-06-24. Review status: criteria provided, single submitter. Criteria: LabCorp Variant Classification Summary - May 2015. Collection method: clinical testing. Allele origin: germline.
Comment: Variant summary: NF1 c.8157C>T alters a conserved nucleotide resulting in a synonymous change. Consensus agreement among computation tools predict no significant impact on normal splicing. However, these predictions have yet to be confirmed by functional studies. The variant was absent in 251450 control chromosomes. The available data on variant occurrences in the general population are insufficient to allow any conclusion about variant significance. To our knowledge, no occurrence of c.8157C>T in individuals affected with Neurofibromatosis Type 1 and no experimental evidence demonstrating its impact on protein function have been reported. No submitters have cited clinical-significance assessments for this variant to ClinVar. Based on the evidence outlined above, the variant was classified as likely benign.